The following is an entry in ClinVar:

ClinVar aggregate classification (germline): Uncertain significance (1 of 4 stars; one submission).

Conditions:
Cardiovascular phenotype. Identifiers: MedGen CN230736.

Submission:

Ambry Genetics
Classification: Uncertain significance for Cardiovascular phenotype. Last evaluated: 2022-04-04. Review status: criteria provided, single submitter. Criteria: Ambry Variant Classification Scheme 2023. Collection method: clinical testing. Allele origin: germline.
Comment: The p.M690T variant (also known as c.2069T>C), located in coding exon 18 of the ANK2 gene, results from a T to C substitution at nucleotide position 2069. The methionine at codon 690 is replaced by threonine, an amino acid with similar properties. This amino acid position is poorly conserved in available vertebrate species. In addition, this alteration is predicted to be tolerated by in silico analysis. Since supporting evidence is limited at this time, the clinical significance of this alteration remains unclear.

NM_001148.6(ANK2):c.2069T>C (p.Met690Thr)

Gene: ANK2 (ankyrin 2; plus strand). Cytogenetic location: 4q26.
Variant type: single nucleotide variant.
Coding change: c.2069T>C on transcript NM_001148.6 (MANE Select); coding-DNA position 2069, T replaced by C.
Protein change: p.Met690Thr; replaces methionine 690 with threonine.
Molecular consequence: missense variant.
Genome position (GRCh38, 1-based): chr4:113,282,862, T>C. VCF-style: chr4-113282862-T-C. GRCh37 (hg19) VCF-style: chr4-114204018-T-C.
Other names: c.2006T>C, p.Met669Thr (NM_001127493.3, NM_001354239.2, NM_001354243.2 and 10 more transcripts); c.2069T>C, p.Met690Thr (NM_001354225.2, NM_001354228.2, NM_001354232.2 and 6 more transcripts); c.2114T>C, p.Met705Thr (NM_001354230.2, NM_001354231.2, NM_001354237.2 and 5 more transcripts); c.1970T>C, p.Met657Thr (NM_001354245.2, NM_001354268.2); c.1982T>C, p.Met661Thr (NM_001354249.2, NM_001354264.2, NM_001354266.2 and 10 more transcripts); c.1907T>C, p.Met636Thr (NM_001354253.2, NM_001354257.2, NM_001354270.2 and 1 more transcripts); c.1883T>C, p.Met628Thr (NM_001354260.2, NM_001354271.2, NM_001386151.1); c.2027T>C, p.Met676Thr (NM_001354261.2, NM_001386147.1, NM_001386160.1); and 8 more; short protein forms M620T, M657T, M669T, M678T, M705T, M595T, M628T, M676T.
Identifiers: ClinVar variation 1785339 (VCV001785339.2), dbSNP rs2495918516, ClinGen allele CA357914471.